The following is an entry in ClinVar:

NM_000465.4(BARD1):c.230_233del (p.Asp77fs)

Gene: BARD1 (BRCA1 associated RING domain 1; minus strand). Cytogenetic location: 2q35.
Variant type: Deletion.
Coding change: c.230_233del on transcript NM_000465.4 (MANE Select); coding-DNA positions 230 to 233, 4 bases deleted (ACTG; older notation c.230_233delACTG).
Protein change: p.Asp77fs; shifts the reading frame from aspartic acid 77.
Molecular consequence: frameshift variant. On other transcripts: non-coding transcript variant (1), intron variant (2).
Genome position (GRCh38, 1-based): chr2:214,792,428-214,792,431, CAGT deleted on the plus strand (ACTG on the coding strand, the reverse complement: BARD1 is on the minus strand); deleting any 4 consecutive bases within chr2:214,792,428-214,792,433 gives the same sequence; the c. name uses the placement nearest the transcript's 3' end. VCF-style (leftmost placement, unchanged base first): chr2-214792427-GCAGT-G. GRCh37 (hg19) VCF-style: chr2-215657151-GCAGT-G.
Other names: c.230_233del (NM_000465.3); c.173_176del, p.Asp58fs (NM_001282543.2); c.230_233del, p.Asp77fs (NM_001282549.2); c.158+16981_158+16984del (NM_001282548.2); c.215+4630_215+4633del (NM_001282545.2); short protein forms D58fs, D77fs.
Identifiers: ClinVar variation 2583467 (VCV002583467.3), dbSNP rs1695567474, ClinGen allele CA1327076737.

ClinVar aggregate classification (germline): Pathogenic/Likely pathogenic. Review status: criteria provided, multiple submitters, no conflicts (2 of 4 stars). 2 submissions from 2 submitters: Pathogenic (1); Likely pathogenic (1). Last evaluated 2023-12-12.

Conditions:
Familial cancer of breast. Also called: Hereditary breast cancer; BREAST CANCER, FAMILIAL; hereditary breast carcinoma. Identifiers: Orphanet 227535, MedGen C0346153, MONDO:0016419, OMIM 114480. Disease mechanism: loss of function.

Submissions (2):

Quest Diagnostics Nichols Institute San Juan Capistrano
Classification: Likely pathogenic. Last evaluated: 2023-12-12. Review status: criteria provided, single submitter. Criteria: Quest Diagnostics criteria. Collection method: clinical testing. Allele origin: unknown.
Comment: The BARD1 c.230_233del (p.Asp77Alafs*18) variant alters the translational reading frame of the BARD1 mRNA and is predicted to cause the premature termination of BARD1 protein synthesis. This variant has not been reported in individuals with BARD1-related conditions in the published literature. This variant has not been reported in large, multi-ethnic general populations (Genome Aggregation Database). Based on the available information, this variant is classified as likely pathogenic.

Myriad Genetics, Inc.
Classification: Pathogenic for Familial cancer of breast. Last evaluated: 2023-05-18. Review status: criteria provided, single submitter. Criteria: Myriad Autosomal Dominant, Autosomal Recessive and X-Linked Classification Criteria (2023). Collection method: clinical testing. Allele origin: unknown.
Comment: This variant is considered pathogenic. This variant creates a frameshift predicted to result in premature protein truncation.